The following is an entry in ClinVar:

ClinVar aggregate classification (germline): Uncertain significance. Review status: criteria provided, multiple submitters, no conflicts (2 of 4 stars). 2 submissions from 2 submitters: Uncertain significance (2). Last evaluated 2025-11-28.

Conditions:
Inborn genetic diseases. Identifiers: MedGen C0950123, MeSH D030342.

Allele frequency attached by ClinVar (database versions not stated): gnomAD 0.00001; gnomAD exomes 0.00001; ExAC 0.00002; TOPMed 0.00002.
gnomAD v4.1: 17 of 1,612,198 alleles (0.0011%); highest among the groups gnomAD compares: South Asian, 0.0033%; no homozygotes.

Submissions (2):

Labcorp Genetics (formerly Invitae), Labcorp
Classification: Uncertain significance. Last evaluated: 2025-11-28. Review status: criteria provided, single submitter. Criteria: Invitae Variant Classification Sherloc (09022015). Collection method: clinical testing. Allele origin: germline.
Comment: This sequence change replaces alanine, which is neutral and non-polar, with threonine, which is neutral and polar, at codon 450 of the AP3D1 protein (p.Ala450Thr). The frequency data for this variant in the population databases is considered unreliable, as metrics indicate poor data quality at this position in the gnomAD database. This variant has not been reported in the literature in individuals affected with AP3D1-related conditions. ClinVar contains an entry for this variant (Variation ID: 1902593). An algorithm developed to predict the effect of missense changes on protein structure and function (PolyPhen-2) suggests that this variant is likely to be tolerated. In summary, the available evidence is currently insufficient to determine the role of this variant in disease. Therefore, it has been classified as a Variant of Uncertain Significance.

Ambry Genetics
Classification: Uncertain significance for Inborn genetic diseases. Last evaluated: 2022-10-06. Review status: criteria provided, single submitter. Criteria: Ambry Variant Classification Scheme 2023. Collection method: clinical testing. Allele origin: germline.

NM_001261826.3(AP3D1):c.1348G>A (p.Ala450Thr)

Gene: AP3D1 (adaptor related protein complex 3 subunit delta 1; minus strand). Cytogenetic location: 19p13.3.
Variant type: single nucleotide variant.
Coding change: c.1348G>A on transcript NM_001261826.3 (MANE Select); coding-DNA position 1348, G replaced by A.
Protein change: p.Ala450Thr; replaces alanine 450 with threonine.
Molecular consequence: missense variant.
Genome position (GRCh38, 1-based): chr19:2,120,995, C>T on the plus strand (G>A on the coding strand, the complement: AP3D1 is on the minus strand). VCF-style: chr19-2120995-C-T. GRCh37 (hg19) VCF-style: chr19-2120994-C-T.
Other names: c.1348G>A, p.Ala450Thr (NM_001374799.1, NM_003938.8); short protein forms A450T.
Identifiers: ClinVar variation 1902593 (VCV001902593.6), dbSNP rs770184150, ClinGen allele CA9059340.
Genomic context (GRCh38, chr19:2,120,995, plus strand): 5'-CCAGCAGGTGTGCACTGTCAAGCAGCGCAGACATCTGGGACACGGCGAACTTGCGGATGG[C>T]CTTCACGCGGATGGCCACGTCCAGCATTTGGGCGGCGATGAGGTGGCCGTGCCGTGTGCC-3'
Protein context (NP_001248755.1, residues 440-460): QMLDVAIRVK[Ala450Thr]IRKFAVSQMS